The following is an entry in ClinVar:

NM_001062.4(TCN1):c.587C>T (p.Thr196Ile)

Gene: TCN1 (transcobalamin 1; minus strand). Cytogenetic location: 11q12.1.
Variant type: single nucleotide variant.
Coding change: c.587C>T on transcript NM_001062.4 (MANE Select); coding-DNA position 587, C replaced by T.
Protein change: p.Thr196Ile; replaces threonine 196 with isoleucine.
Molecular consequence: missense variant.
Genome position (GRCh38, 1-based): chr11:59,859,237, G>A on the plus strand (C>T on the coding strand, the complement: TCN1 is on the minus strand). VCF-style: chr11-59859237-G-A. GRCh37 (hg19) VCF-style: chr11-59626710-G-A.
Other names: short protein forms T196I.
Identifiers: ClinVar variation 2418502 (VCV002418502.6), dbSNP rs1852989056, ClinGen allele CA380807782.
Genomic context (GRCh38, chr11:59,859,237, plus strand): 5'-TTCTTTAAACTGCCTTCATCTGCTTTGATCTGCCCATTTATTAGACTCTTCTTCACACAG[G>A]TCAGAGCCAGGACAGCCATTGCACCAGTATCTGTCAGGAAACAAAACATTGTTGATAGGC-3'
Protein context (NP_001053.2, residues 186-206): DTGAMAVLAL[Thr196Ile]CVKKSLINGQ

ClinVar aggregate classification (germline): Uncertain significance (1 of 4 stars; one submission).

Conditions:
Transcobalamin I deficiency (TCN1D). Also called: COBALAMIN PSEUDODEFICIENCY DUE TO TRANSCOBALAMIN DEFICIENCY; COBALAMIN R BINDER PROTEIN DEFICIENCY; TCN1 DEFICIENCY. Identifiers: Orphanet 2967, MedGen C0342700, MONDO:0008659, OMIM 193090.

Allele frequency attached by ClinVar (database versions not stated): gnomAD 0.00001.
gnomAD v4.1: 1 of 1,613,758 alleles (0.000062%); highest among the groups gnomAD compares: Admixed American, 0.0017%; no homozygotes.

Submission:

Labcorp Genetics (formerly Invitae), Labcorp
Classification: Uncertain significance for Transcobalamin I deficiency. Last evaluated: 2022-08-09. Review status: criteria provided, single submitter. Criteria: Invitae Variant Classification Sherloc (09022015). Collection method: clinical testing. Allele origin: germline.
Comment: This variant is not present in population databases (gnomAD no frequency). This variant has not been reported in the literature in individuals affected with TCN1-related conditions. Algorithms developed to predict the effect of missense changes on protein structure and function output the following: SIFT: "Tolerated"; PolyPhen-2: "Probably Damaging"; Align-GVGD: "Class C0". The isoleucine amino acid residue is found in multiple mammalian species, which suggests that this missense change does not adversely affect protein function. In summary, the available evidence is currently insufficient to determine the role of this variant in disease. Therefore, it has been classified as a Variant of Uncertain Significance. This sequence change replaces threonine, which is neutral and polar, with isoleucine, which is neutral and non-polar, at codon 196 of the TCN1 protein (p.Thr196Ile).